The following is an entry in ClinVar:

NM_012414.4(RAB3GAP2):c.3225+1G>A

Gene: RAB3GAP2 (RAB3 GTPase activating non-catalytic protein subunit 2; minus strand). Cytogenetic location: 1q41.
Variant type: single nucleotide variant.
Coding change: c.3225+1G>A on transcript NM_012414.4 (MANE Select); the canonical splice donor site of the intron after coding-DNA position 3225, G replaced by A.
Molecular consequence: splice donor variant.
Genome position (GRCh38, 1-based): chr1:220,162,197, C>T on the plus strand (G>A on the coding strand, the complement: RAB3GAP2 is on the minus strand). VCF-style: chr1-220162197-C-T. GRCh37 (hg19) VCF-style: chr1-220335539-C-T.
Identifiers: ClinVar variation 4536954 (VCV004536954.1).
Genomic context (GRCh38, chr1:220,162,197, plus strand): 5'-CTAATATTAGTCAAATAAGAGAATCAAATAAATAAGAAGTCAATACATGAAACTACCTTA[C>T]CTTATCCATTAAGTATGTAGCAGCAGAAAATCTTTTAACTAAGAACGTATTCCACATCAT-3'

ClinVar aggregate classification (germline): Likely pathogenic (1 of 4 stars; one submission).

Conditions:
RAB3GAP2-related disorder. Also called: RAB3GAP2-related condition; RAB3GAP2-related disorders.

gnomAD v4.1: 2 of 1,552,798 alleles (0.00013%); highest among the groups gnomAD compares: Non-Finnish European, 0.000089%; no homozygotes.

Submission:

Women's Health and Genetics/Laboratory Corporation of America, LabCorp
Classification: Likely pathogenic for RAB3GAP2-Related Disorders. Last evaluated: 2025-11-07. Review status: criteria provided, single submitter. Criteria: LabCorp Variant Classification Summary - May 2015. Collection method: clinical testing. Allele origin: germline.
Comment: Variant summary: RAB3GAP2 c.3225+1G>A is located in a canonical splice-site and is predicted to affect mRNA splicing resulting in a significantly altered protein due to either exon skipping, shortening, or inclusion of intronic material. Variants that disrupt the consensus splice site are a relatively common cause of aberrant splicing and loss of RAB3GAP2 function. Several computational tools predict a significant impact on normal splicing: Four predict the variant abolishes a 5' splicing donor site. However, these predictions have yet to be confirmed by functional studies. The variant was absent in 251042 control chromosomes. To our knowledge, no occurrence of c.3225+1G>A in individuals affected with RAB3GAP2-related conditions and no experimental evidence demonstrating its impact on protein function have been reported. No submitters have cited clinical-significance assessments for this variant to ClinVar. Based on the evidence outlined above, the variant was classified as likely pathogenic.